The following is an entry in ClinVar:

ClinVar aggregate classification (germline): Uncertain significance (1 of 4 stars; one submission).

Allele frequency attached by ClinVar (database versions not stated): gnomAD 0.00001.
gnomAD v4.1: 1 of 1,590,238 alleles (0.000063%); highest among the groups gnomAD compares: Admixed American, 0.0017%; no homozygotes.

Submission:

Labcorp Genetics (formerly Invitae), Labcorp
Classification: Uncertain significance. Last evaluated: 2023-10-13. Review status: criteria provided, single submitter. Criteria: Invitae Variant Classification Sherloc (09022015). Collection method: clinical testing. Allele origin: germline.
Comment: This sequence change replaces isoleucine, which is neutral and non-polar, with valine, which is neutral and non-polar, at codon 1733 of the KMT2A protein (p.Ile1733Val). This variant is present in population databases (no rsID available, gnomAD 0.1%). This variant has not been reported in the literature in individuals affected with KMT2A-related conditions. Advanced modeling of protein sequence and biophysical properties (such as structural, functional, and spatial information, amino acid conservation, physicochemical variation, residue mobility, and thermodynamic stability) performed at Invitae indicates that this missense variant is not expected to disrupt KMT2A protein function. In summary, the available evidence is currently insufficient to determine the role of this variant in disease. Therefore, it has been classified as a Variant of Uncertain Significance.

NM_001197104.2(KMT2A):c.5197A>G (p.Ile1733Val)

Gene: KMT2A (lysine methyltransferase 2A; plus strand). Cytogenetic location: 11q23.3.
Variant type: single nucleotide variant.
Coding change: c.5197A>G on transcript NM_001197104.2 (MANE Select); coding-DNA position 5197, A replaced by G.
Protein change: p.Ile1733Val; replaces isoleucine 1733 with valine.
Molecular consequence: missense variant.
Genome position (GRCh38, 1-based): chr11:118,494,306, A>G. VCF-style: chr11-118494306-A-G. GRCh37 (hg19) VCF-style: chr11-118365021-A-G.
Other names: c.5287A>G, p.Ile1763Val (NM_001412597.1); c.5188A>G, p.Ile1730Val (NM_005933.4); short protein forms I1730V, I1733V, I1763V.
Identifiers: ClinVar variation 2811069 (VCV002811069.3), dbSNP rs1555043336, ClinGen allele CA382837446.